The following is an entry in ClinVar:

NM_020699.4(GATAD2B):c.1621G>A (p.Val541Met)

Gene: GATAD2B (GATA zinc finger domain containing 2B; minus strand). Cytogenetic location: 1q21.3.
Variant type: single nucleotide variant.
Coding change: c.1621G>A on transcript NM_020699.4 (MANE Select); coding-DNA position 1621, G replaced by A.
Protein change: p.Val541Met; replaces valine 541 with methionine.
Molecular consequence: missense variant.
Genome position (GRCh38, 1-based): chr1:153,811,758, C>T on the plus strand (G>A on the coding strand, the complement: GATAD2B is on the minus strand). VCF-style: chr1-153811758-C-T. GRCh37 (hg19) VCF-style: chr1-153784234-C-T.
Other names: short protein forms V541M.
Identifiers: ClinVar variation 1466677 (VCV001466677.8), dbSNP rs1324892287, ClinGen allele CA342580729.
Genomic context (GRCh38, chr1:153,811,758, plus strand): 5'-CATGAGAAACATTTTCAGATTAATCCTTCTTACCTGGCATACCAAGGAGGCCACCTGGCA[C>T]AGACAACTGGGGTGCCTGTGCAAAGTTTGAAAGCATGGAGCGGGCAGATGTGGGTATGCC-3'
Protein context (NP_065750.1, residues 531-551): SNFAQAPQLS[Val541Met]PGGLLGMPGV

ClinVar aggregate classification (germline): Uncertain significance (1 of 4 stars; one submission).

Allele frequency attached by ClinVar (database versions not stated): TOPMed below 0.00001; gnomAD 0.00001.
gnomAD v4.1: 3 of 1,610,986 alleles (0.00019%); highest among the groups gnomAD compares: Non-Finnish European, 0.00025%; no homozygotes.

Submission:

Labcorp Genetics (formerly Invitae), Labcorp
Classification: Uncertain significance. Last evaluated: 2024-10-16. Review status: criteria provided, single submitter. Criteria: Invitae Variant Classification Sherloc (09022015). Collection method: clinical testing. Allele origin: germline.
Comment: This sequence change replaces valine, which is neutral and non-polar, with methionine, which is neutral and non-polar, at codon 541 of the GATAD2B protein (p.Val541Met). This variant is not present in population databases (gnomAD no frequency). This variant has not been reported in the literature in individuals affected with GATAD2B-related conditions. ClinVar contains an entry for this variant (Variation ID: 1466677). Invitae Evidence Modeling of protein sequence and biophysical properties (such as structural, functional, and spatial information, amino acid conservation, physicochemical variation, residue mobility, and thermodynamic stability) indicates that this missense variant is not expected to disrupt GATAD2B protein function with a negative predictive value of 80%. In summary, the available evidence is currently insufficient to determine the role of this variant in disease. Therefore, it has been classified as a Variant of Uncertain Significance.